The following is an entry in ClinVar:

NM_015909.4(NBAS):c.4546G>A (p.Ala1516Thr)

Gene: NBAS (NBAS subunit of NRZ tethering complex; minus strand). Cytogenetic location: 2p24.3.
Variant type: single nucleotide variant.
Coding change: c.4546G>A on transcript NM_015909.4 (MANE Select); coding-DNA position 4546, G replaced by A.
Protein change: p.Ala1516Thr; replaces alanine 1516 with threonine.
Molecular consequence: missense variant. On other transcripts: non-coding transcript variant (1).
Genome position (GRCh38, 1-based): chr2:15,327,786, C>T on the plus strand (G>A on the coding strand, the complement: NBAS is on the minus strand). VCF-style: chr2-15327786-C-T. GRCh37 (hg19) VCF-style: chr2-15467910-C-T.
Other names: short protein forms A1516T.
Identifiers: ClinVar variation 1938963 (VCV001938963.5), dbSNP rs1277030259, ClinGen allele CA345895476.

ClinVar aggregate classification (germline): Uncertain significance (1 of 4 stars; one submission).

Allele frequency attached by ClinVar (database versions not stated): gnomAD exomes below 0.00001; TOPMed below 0.00001; gnomAD 0.00001.
gnomAD v4.1: 5 of 1,613,588 alleles (0.00031%); highest among the groups gnomAD compares: South Asian, 0.0033%; no homozygotes.

Submission:

Labcorp Genetics (formerly Invitae), Labcorp
Classification: Uncertain significance. Last evaluated: 2022-05-28. Review status: criteria provided, single submitter. Criteria: Invitae Variant Classification Sherloc (09022015). Collection method: clinical testing. Allele origin: germline.
Comment: This sequence change replaces alanine, which is neutral and non-polar, with threonine, which is neutral and polar, at codon 1516 of the NBAS protein (p.Ala1516Thr). This variant is not present in population databases (gnomAD no frequency). This variant has not been reported in the literature in individuals affected with NBAS-related conditions. Algorithms developed to predict the effect of missense changes on protein structure and function output the following: SIFT: "Deleterious"; PolyPhen-2: "Benign"; Align-GVGD: "Class C0". The threonine amino acid residue is found in multiple mammalian species, which suggests that this missense change does not adversely affect protein function. In summary, the available evidence is currently insufficient to determine the role of this variant in disease. Therefore, it has been classified as a Variant of Uncertain Significance.